The following is an entry in ClinVar:

NM_022464.5(SIL1):c.1085A>T (p.Gln362Leu)

Gene: SIL1 (SIL1 nucleotide exchange factor; minus strand). Cytogenetic location: 5q31.2.
Variant type: single nucleotide variant.
Coding change: c.1085A>T on transcript NM_022464.5 (MANE Select); coding-DNA position 1085, A replaced by T.
Protein change: p.Gln362Leu; replaces glutamine 362 with leucine.
Molecular consequence: missense variant.
Genome position (GRCh38, 1-based): chr5:138,947,418, T>A on the plus strand (A>T on the coding strand, the complement: SIL1 is on the minus strand). VCF-style: chr5-138947418-T-A. GRCh37 (hg19) VCF-style: chr5-138283107-T-A.
Other names: p.Gln362Leu; c.1085A>T, p.Gln362Leu (NM_001037633.2); short protein forms Q362L.
Identifiers: ClinVar variation 907689 (VCV000907689.9), dbSNP rs767548703, ClinGen allele CA3432372.
Genomic context (GRCh38, chr5:138,947,418, plus strand): 5'-GTGATCTCGCACCAGCCCTGTTCCCACAGGCCTGGCAGGAGGTGTACCTGGCGATACTGC[T>A]GCAGCTTCTCTGGGGACATCTCCTGGGTCAGCTCAGCCTCCTCCTCGGCGAACATCTGCC-3'
Protein context (NP_071909.1, residues 352-372): LTQEMSPEKL[Gln362Leu]QYRQVHLLPG

ClinVar aggregate classification (germline): Uncertain significance. Review status: criteria provided, multiple submitters, no conflicts (2 of 4 stars). 4 submissions from 4 submitters: Uncertain significance (4). Last evaluated 2025-08-11.

Conditions:
Inborn genetic diseases. Identifiers: MedGen C0950123, MeSH D030342.
Marinesco-Sjögren syndrome (MSS). Also called: Marinesco-SjÃ¶gren syndrome; Marinesco-Sjogren Syndrome. Identifiers: Orphanet 559, MedGen C0024814, MONDO:0009567, OMIM 248800.

Allele frequency attached by ClinVar (database versions not stated): ExAC 0.00001; gnomAD 0.00003.
gnomAD v4.1: 9 of 1,613,502 alleles (0.00056%); highest among the groups gnomAD compares: African/African-American, 0.0013%; no homozygotes.

Submissions (4):

Ambry Genetics
Classification: Uncertain significance for Inborn genetic diseases. Last evaluated: 2025-08-11. Review status: criteria provided, single submitter. Criteria: Ambry Variant Classification Scheme 2023. Collection method: clinical testing. Allele origin: germline.

Mayo Clinic Laboratories, Mayo Clinic
Classification: Uncertain significance. Last evaluated: 2024-10-18. Review status: criteria provided, single submitter. Criteria: ACMG Guidelines, 2015. Collection method: clinical testing. Allele origin: germline. Observed: 2 variant alleles.
Comment: BP4, PM2_moderate

Labcorp Genetics (formerly Invitae), Labcorp
Classification: Uncertain significance for Marinesco-Sjögren syndrome. Last evaluated: 2022-05-24. Review status: criteria provided, single submitter. Criteria: Invitae Variant Classification Sherloc (09022015). Collection method: clinical testing. Allele origin: germline.
Comment: This sequence change replaces glutamine, which is neutral and polar, with leucine, which is neutral and non-polar, at codon 362 of the SIL1 protein (p.Gln362Leu). This variant is present in population databases (rs767548703, gnomAD 0.002%). This variant has not been reported in the literature in individuals affected with SIL1-related conditions. ClinVar contains an entry for this variant (Variation ID: 907689). Algorithms developed to predict the effect of missense changes on protein structure and function (SIFT, PolyPhen-2, Align-GVGD) all suggest that this variant is likely to be tolerated. In summary, the available evidence is currently insufficient to determine the role of this variant in disease. Therefore, it has been classified as a Variant of Uncertain Significance.

Illumina Laboratory Services, Illumina
Classification: Uncertain significance for Marinesco-Sjögren syndrome. Last evaluated: 2018-01-13. Review status: criteria provided, single submitter. Criteria: ICSL Variant Classification Criteria 13 December 2019. Collection method: clinical testing. Allele origin: germline.